The following is an entry in ClinVar:

NM_000094.4(COL7A1):c.5947del (p.Asp1983fs)

Gene: COL7A1 (collagen type VII alpha 1 chain; minus strand). Cytogenetic location: 3p21.31.
Variant type: Deletion.
Coding change: c.5947del on transcript NM_000094.4 (MANE Select); coding-DNA position 5947, one base deleted (G; older notation c.5947delG).
Protein change: p.Asp1983fs; shifts the reading frame from aspartic acid 1983.
Molecular consequence: frameshift variant.
Genome position (GRCh38, 1-based): chr3:48,575,658, C deleted on the plus strand (G on the coding strand, the reverse complement: COL7A1 is on the minus strand); the first of 5 consecutive C bases (chr3:48,575,658-48,575,662); deleting any one gives the same sequence. VCF-style (leftmost placement, unchanged base first): chr3-48575657-TC-T. GRCh37 (hg19) VCF-style: chr3-48613090-TC-T.
Other names: short protein forms D1983fs.
Identifiers: ClinVar variation 2853711 (VCV002853711.3), dbSNP rs2530978371, ClinGen allele CA2739279099.

ClinVar aggregate classification (germline): Pathogenic (1 of 4 stars; one submission).

Submission:

Labcorp Genetics (formerly Invitae), Labcorp
Classification: Pathogenic. Last evaluated: 2023-04-08. Review status: criteria provided, single submitter. Criteria: Invitae Variant Classification Sherloc (09022015). Collection method: clinical testing. Allele origin: germline.
Comment: For these reasons, this variant has been classified as Pathogenic. This variant has not been reported in the literature in individuals affected with COL7A1-related conditions. This variant is not present in population databases (gnomAD no frequency). This sequence change creates a premature translational stop signal (p.Asp1983Thrfs*22) in the COL7A1 gene. It is expected to result in an absent or disrupted protein product. Loss-of-function variants in COL7A1 are known to be pathogenic (PMID: 16971478).

Literature cited by the submitters: PubMed 16971478.